The following is an entry in ClinVar:

NM_007294.4(BRCA1):c.2195_2196delinsG (p.Glu732fs)

Gene: BRCA1 (BRCA1 DNA repair associated; minus strand). Cytogenetic location: 17q21.31.
Variant type: Indel.
Coding change: c.2195_2196delinsG on transcript NM_007294.4 (MANE Select); coding-DNA positions 2195 to 2196, AA replaced by G.
Protein change: p.Glu732fs; shifts the reading frame from glutamic acid 732.
Molecular consequence: frameshift variant. On other transcripts: intron variant (137).
Genome position (GRCh38, 1-based): chr17:43,093,335-43,093,336, TT replaced by C on the plus strand (AA replaced by G on the coding strand, the reverse complement: BRCA1 is on the minus strand). VCF-style: chr17-43093335-TT-C. GRCh37 (hg19) VCF-style: chr17-41245352-TT-C.
Other names: 2314_2315delAAinsG; c.1691_1692delinsG, p.Glu564fs (NM_001407965.1); c.1307_1308delinsG, p.Glu436fs (NM_001407966.1, NM_001407967.1); c.2054_2055delinsG, p.Glu685fs (NM_007297.4, NM_001407692.1, NM_001407694.1 and 29 more transcripts); c.2195_2196delinsG, p.Glu732fs (NM_007300.4, NM_001407581.1, NM_001407582.1 and 30 more transcripts); c.646+1408_646+1409delinsG (NM_001408458.1, NM_001408469.1, NM_001408453.1 and 11 more transcripts); c.283+1408_283+1409delinsG (NM_001408512.1); c.406+1408_406+1409delinsG (NM_001408510.1); and 42 more; short protein forms E732fs, E685fs, E436fs, E662fs, E729fs, E621fs, E643fs, E644fs.
Identifiers: ClinVar variation 266234 (VCV000266234.4), dbSNP rs397508948, ClinGen allele CA10589878.

ClinVar aggregate classification (germline): Pathogenic (3 of 4 stars; one submission).

Conditions:
Breast-ovarian cancer, familial, susceptibility to, 1 (BROVCA1). Also called: BRCA1 Hereditary Breast and Ovarian Cancer; OVARIAN CANCER, SUSCEPTIBILITY TO. Identifiers: Orphanet 145, MedGen C2676676, MONDO:0011450, OMIM 604370. Disease mechanism: loss of function.

Submission:

Evidence-based Network for the Interpretation of Germline Mutant Alleles (ENIGMA)
Classification: Pathogenic for Breast-ovarian cancer, familial, susceptibility to, 1. Last evaluated: 2016-10-18. Review status: reviewed by expert panel. Criteria: ENIGMA BRCA1/2 Classification Criteria (2015). Collection method: curation. Allele origin: germline.
Comment: Variant allele predicted to encode a truncated non-functional protein.